The following is an entry in ClinVar:

NM_000444.6(PHEX):c.1844_1847dup (p.Lys616fs)

Genes: PHEX (phosphate regulating endopeptidase X-linked; plus strand), PTCHD1-AS (PTCHD1 and PHEX antisense RNA; minus strand). Cytogenetic location: Xp22.11.
Variant type: Duplication.
Coding change: c.1844_1847dup on transcript NM_000444.6 (MANE Select); coding-DNA positions 1844 to 1847, 4 bases duplicated (CAAA; older notation c.1844_1847dupCAAA).
Protein change: p.Lys616fs; shifts the reading frame from lysine 616.
Molecular consequence: frameshift variant.
Genome position (GRCh38, 1-based): chrX:22,221,688-22,221,691, CAAA duplicated; duplicating any 4 consecutive bases within chrX:22,221,685-22,221,691 gives the same sequence; the c. name uses the placement nearest the transcript's 3' end. VCF-style (leftmost placement, unchanged base first): chrX-22221684-A-AAAAC. GRCh37 (hg19) VCF-style: chrX-22239801-A-AAAAC.
Other names: c.1844_1847dup, p.Lys616fs (NM_001282754.2); short protein forms K616fs.
Identifiers: ClinVar variation 844299 (VCV000844299.9), dbSNP rs1935273095, ClinGen allele CA916083862.

ClinVar aggregate classification (germline): Pathogenic (1 of 4 stars; one submission).

Submission:

Labcorp Genetics (formerly Invitae), Labcorp
Classification: Pathogenic. Last evaluated: 2019-12-20. Review status: criteria provided, single submitter. Criteria: Invitae Variant Classification Sherloc (09022015). Collection method: clinical testing. Allele origin: germline.
Comment: For these reasons, this variant has been classified as Pathogenic. Loss-of-function variants in PHEX are known to be pathogenic (PMID: 9097956, 9106524, 19219621). This variant has been observed in individual(s) with hypophosphatemic rickets (PMID: 21050253). This variant is not present in population databases (ExAC no frequency). This sequence change creates a premature translational stop signal (p.Lys616Asnfs*6) in the PHEX gene. It is expected to result in an absent or disrupted protein product.

Literature cited by the submitters: PubMed 9097956; PubMed 9106524; PubMed 19219621; PubMed 21050253.